The following is an entry in ClinVar:

NM_000217.3(KCNA1):c.1150G>A (p.Gly384Arg)

Gene: KCNA1 (potassium voltage-gated channel subfamily A member 1; plus strand). Cytogenetic location: 12p13.32.
Variant type: single nucleotide variant.
Coding change: c.1150G>A on transcript NM_000217.3 (MANE Select); coding-DNA position 1150, G replaced by A.
Protein change: p.Gly384Arg; replaces glycine 384 with arginine.
Molecular consequence: missense variant.
Genome position (GRCh38, 1-based): chr12:4,912,528, G>A. VCF-style: chr12-4912528-G-A. GRCh37 (hg19) VCF-style: chr12-5021694-G-A.
Other names: short protein forms G384R.
Identifiers: ClinVar variation 863534 (VCV000863534.11), dbSNP rs1947358468, ClinGen allele CA383456154.

ClinVar aggregate classification (germline): Uncertain significance. Review status: criteria provided, multiple submitters, no conflicts (2 of 4 stars). 3 submissions from 3 submitters: Uncertain significance (3). Last evaluated 2026-08-21.

Conditions:
Episodic ataxia type 1 (EA1). Also called: MYOKYMIA WITH PERIODIC ATAXIA; PAROXYSMAL ATAXIA WITH NEUROMYOTONIA, HEREDITARY; Episodic ataxia/myokymia syndrome; ATAXIA, EPISODIC, WITH MYOKYMIA. Identifiers: Orphanet 37612, Orphanet 972, MedGen C1719788, MONDO:0008047, OMIM 160120.

Submissions (3):

GeneDx
Classification: Uncertain significance. Last evaluated: 2026-08-21. Review status: criteria provided, single submitter. Criteria: GeneDx Variant Classification Process June 2021. Collection method: clinical testing. Allele origin: germline.
Comment: Not observed at significant frequency in large population cohorts (gnomAD); In silico analysis supports that this missense variant has a deleterious effect on protein structure/function; Has not been previously published as pathogenic or benign to our knowledge

Blueprint Genetics
Classification: Uncertain significance. Last evaluated: 2019-12-20. Review status: criteria provided, single submitter. Criteria: ACMG Guidelines, 2015. Collection method: clinical testing. Allele origin: germline.

Labcorp Genetics (formerly Invitae), Labcorp
Classification: Uncertain significance for Episodic ataxia type 1. Last evaluated: 2019-05-15. Review status: criteria provided, single submitter. Criteria: Invitae Variant Classification Sherloc (09022015). Collection method: clinical testing. Allele origin: germline.
Comment: In summary, the available evidence is currently insufficient to determine the role of this variant in disease. Therefore, it has been classified as a Variant of Uncertain Significance. Algorithms developed to predict the effect of sequence changes on RNA splicing suggest that this variant may create or strengthen a splice site, but this prediction has not been confirmed by published transcriptional studies. Algorithms developed to predict the effect of missense changes on protein structure and function are either unavailable or do not agree on the potential impact of this missense change (SIFT: "Tolerated"; PolyPhen-2: "Probably Damaging"; Align-GVGD: "Class C0"). This variant has not been reported in the literature in individuals with KCNA1-related conditions. This variant is not present in population databases (ExAC no frequency). This sequence change replaces glycine with arginine at codon 384 of the KCNA1 protein (p.Gly384Arg). The glycine residue is highly conserved and there is a moderate physicochemical difference between glycine and arginine.